The following is an entry in ClinVar:

NM_000492.4(CFTR):c.2161del (p.Gln720_Met721insTer)

Gene: CFTR (CF transmembrane conductance regulator; plus strand). Cytogenetic location: 7q31.2.
Variant type: Deletion.
Coding change: c.2161del on transcript NM_000492.4 (MANE Select); coding-DNA position 2161, one base deleted (A; older notation c.2161delA).
Protein change: p.Gln720_Met721insTer.
Molecular consequence: nonsense.
Genome position (GRCh38, 1-based): chr7:117,592,328, A deleted; the last of 3 consecutive A bases (chr7:117,592,326-117,592,328); deleting any one gives the same sequence. VCF-style (leftmost placement, unchanged base first): chr7-117592325-CA-C. GRCh37 (hg19) VCF-style: chr7-117232379-CA-C.
Identifiers: ClinVar variation 2573423 (VCV002573423.1), dbSNP rs2485110074, ClinGen allele CA2580614246.

ClinVar aggregate classification (germline): Pathogenic (1 of 4 stars; one submission).

Conditions:
Cystic fibrosis (CF). Also called: MUCOVISCIDOSIS. Identifiers: Orphanet 586, MedGen C0010674, MONDO:0009061, OMIM 219700. Disease mechanism: loss of function.

Submission:

Women's Health and Genetics/Laboratory Corporation of America, LabCorp
Classification: Pathogenic for Cystic fibrosis. Last evaluated: 2023-06-14. Review status: criteria provided, single submitter. Criteria: LabCorp Variant Classification Summary - May 2015. Collection method: clinical testing. Allele origin: germline.
Comment: Variant summary: CFTR c.2161delA (p.Met721X) results in a premature termination codon, predicted to cause a truncation of the encoded protein or absence of the protein due to nonsense mediated decay, which are commonly known mechanisms for disease. The variant was absent in 251248 control chromosomes (gnomAD). To our knowledge, no occurrence of c.2161delA in individuals affected with Cystic Fibrosis and no experimental evidence demonstrating its impact on protein function have been reported. No clinical diagnostic laboratories have submitted clinical-significance assessments for this variant to ClinVar after 2014. Based on the evidence outlined above, the variant was classified as pathogenic.